The following is an entry in ClinVar:

ClinVar aggregate classification (germline): Likely benign (0 of 4 stars; one submission).

Conditions:
FUZ-related disorder. Also called: FUZ-related condition.

Allele frequency attached by ClinVar (database versions not stated): ESP Exome Variant Server 0.00015; gnomAD 0.00012.
gnomAD v4.1: 378 of 1,613,190 alleles (0.023%); highest among the groups gnomAD compares: South Asian, 0.18%; 2 homozygotes.

Submission:

PreventionGenetics, part of Exact Sciences
Classification: Likely benign for FUZ-related condition. Last evaluated: 2020-01-13. Review status: no assertion criteria provided. Collection method: clinical testing. Allele origin: germline.
Comment: This variant is classified as likely benign based on ACMG/AMP sequence variant interpretation guidelines (Richards et al. 2015 PMID: 25741868, with internal and published modifications).

NM_025129.5(FUZ):c.900G>A (p.Leu300=)

Gene: FUZ (fuzzy planar cell polarity protein; minus strand). Cytogenetic location: 19q13.33.
Variant type: single nucleotide variant.
Coding change: c.900G>A on transcript NM_025129.5 (MANE Select); coding-DNA position 900, G replaced by A.
Protein change: p.Leu300=; no amino-acid change (leucine 300 retained).
Molecular consequence: synonymous variant. On other transcripts: non-coding transcript variant (1).
Genome position (GRCh38, 1-based): chr19:49,808,632, C>T on the plus strand (G>A on the coding strand, the complement: FUZ is on the minus strand). VCF-style: chr19-49808632-C-T. GRCh37 (hg19) VCF-style: chr19-50311889-C-T.
Other names: c.792G>A, p.Leu264= (NM_001171937.2); c.900G>A, p.Leu300= (NM_001352262.2); c.750G>A, p.Leu250= (NM_001363663.1).
Identifiers: ClinVar variation 3050950 (VCV003050950.2), dbSNP rs374092791, ClinGen allele CA9584299.